The following is an entry in ClinVar:

NM_032043.3(BRIP1):c.1473+13_1473+14del

Gene: BRIP1 (BRCA1 interacting DNA helicase 1; minus strand). Cytogenetic location: 17q23.2.
Variant type: Deletion.
Coding change: c.1473+13_1473+14del on transcript NM_032043.3 (MANE Select); bases 13 to 14 of the intron after coding-DNA position 1473, 2 bases deleted (TT; older notation c.1473+13_1473+14delTT).
Molecular consequence: intron variant.
Genome position (GRCh38, 1-based): chr17:61,793,583-61,793,584, AA deleted on the plus strand (TT on the coding strand, the reverse complement: BRIP1 is on the minus strand); deleting any 2 consecutive bases within chr17:61,793,583-61,793,588 gives the same sequence; the c. name uses the placement nearest the transcript's 3' end. VCF-style (leftmost placement, unchanged base first): chr17-61793582-GAA-G. GRCh37 (hg19) VCF-style: chr17-59870943-GAA-G.
Other names: c.1473+13_1473+14delTT (NM_032043.2).
Identifiers: ClinVar variation 234280 (VCV000234280.9), dbSNP rs876660968, ClinGen allele CA10577566.

ClinVar aggregate classification (germline): Likely benign. Review status: criteria provided, multiple submitters, no conflicts (2 of 4 stars). 2 submissions from 2 submitters: Likely benign (2). Last evaluated 2025-06-06.

Conditions:
Fanconi anemia complementation group J. Also called: BRIP1-Related Fanconi Anemia. Identifiers: Orphanet 84, MedGen C1836860, MONDO:0012187, OMIM 609054.
Familial cancer of breast. Also called: hereditary breast carcinoma; BREAST CANCER, FAMILIAL; Hereditary breast cancer. Identifiers: Orphanet 227535, MedGen C0346153, MONDO:0016419, OMIM 114480. Disease mechanism: loss of function.

Submissions (2):

Labcorp Genetics (formerly Invitae), Labcorp
Classification: Likely benign for Familial cancer of breast; Fanconi anemia complementation group J. Last evaluated: 2025-06-06. Review status: criteria provided, single submitter. Criteria: Invitae Variant Classification Sherloc (09022015). Collection method: clinical testing. Allele origin: germline.

GeneDx
Classification: Likely benign. Last evaluated: 2015-10-26. Review status: criteria provided, single submitter. Criteria: GeneDx Variant Classification (06012015). Collection method: clinical testing. Allele origin: germline. Affected: yes.
Comment: This variant is considered likely benign or benign based on one or more of the following criteria: it is a conservative change, it occurs at a poorly conserved position in the protein, it is predicted to be benign by multiple in silico algorithms, and/or has population frequency not consistent with disease.